The following is an entry in ClinVar:

NM_001142800.2(EYS):c.1253A>G (p.Asn418Ser)

Gene: EYS (EGF-like photoreceptor maintenance factor; minus strand). Cytogenetic location: 6q12.
Variant type: single nucleotide variant.
Coding change: c.1253A>G on transcript NM_001142800.2 (MANE Select); coding-DNA position 1253, A replaced by G.
Protein change: p.Asn418Ser; replaces asparagine 418 with serine.
Molecular consequence: missense variant.
Genome position (GRCh38, 1-based): chr6:65,384,432, T>C on the plus strand (A>G on the coding strand, the complement: EYS is on the minus strand). VCF-style: chr6-65384432-T-C. GRCh37 (hg19) VCF-style: chr6-66094325-T-C.
Other names: c.1253A>G, p.Asn418Ser (NM_001142801.2, NM_001292009.2, NM_198283.2); short protein forms N418S.
Identifiers: ClinVar variation 778341 (VCV000778341.14), dbSNP rs200542517, ClinGen allele CA3877808.
Genomic context (GRCh38, chr6:65,384,432, plus strand): 5'-ATTAAATTACTTACTTTGAATCTTCCAATTATATTGAAACACCATTCTTCATTCAGACAG[T>C]TGATGCTGAGCAGTTTACAGTGGTCAATTGCTTTCTCACAGTTTTTTTCAGTAAATCCTG-3'
Protein context (NP_001136272.1, residues 408-428): AIDHCKLLSI[Asn418Ser]CLNEEWCFNI

ClinVar aggregate classification (germline): Likely benign. Review status: criteria provided, multiple submitters, no conflicts (2 of 4 stars). 4 submissions from 4 submitters: Likely benign (4). Last evaluated 2026-01-24.

Conditions:
EYS-related disorder. Also called: EYS-related condition.
Retinitis pigmentosa 25 (RP25). Identifiers: Orphanet 791, MedGen C1864446, MONDO:0011272, OMIM 602772.

Allele frequency attached by ClinVar (database versions not stated): gnomAD 0.00005; TOPMed 0.00014; 1000 Genomes Project 0.00020; 1000 Genomes Project 30x 0.00031; ExAC 0.00037; gnomAD exomes 0.00039.
gnomAD v4.1: 107 of 1,609,718 alleles (0.0066%); highest among the groups gnomAD compares: Admixed American, 0.18%; no homozygotes.

Submissions (4):

Labcorp Genetics (formerly Invitae), Labcorp
Classification: Likely benign. Last evaluated: 2026-01-24. Review status: criteria provided, single submitter. Criteria: Invitae Variant Classification Sherloc (09022015). Collection method: clinical testing. Allele origin: germline.

PreventionGenetics, part of Exact Sciences
Classification: Likely benign for EYS-related condition. Last evaluated: 2024-11-13. Review status: criteria provided, single submitter. Criteria: ACMG Guidelines, 2015. Collection method: clinical testing. Allele origin: germline.
Comment: This variant is classified as likely benign based on ACMG/AMP sequence variant interpretation guidelines (Richards et al. 2015 PMID: 25741868, with internal and published modifications).

Blueprint Genetics
Classification: Likely benign. Last evaluated: 2022-03-11. Review status: criteria provided, single submitter. Criteria: ACMG Guidelines, 2015. Collection method: clinical testing. Allele origin: germline.

Fulgent Genetics
Classification: Likely benign for Retinitis pigmentosa 25. Last evaluated: 2021-11-02. Review status: criteria provided, single submitter. Criteria: ACMG Guidelines, 2015. Collection method: clinical testing. Allele origin: unknown.